The following is an entry in ClinVar:

NM_000348.4(SRD5A2):c.161T>A (p.Phe54Tyr)

Gene: SRD5A2 (steroid 5 alpha-reductase 2; minus strand). Cytogenetic location: 2p23.1.
Variant type: single nucleotide variant.
Coding change: c.161T>A on transcript NM_000348.4 (MANE Select); coding-DNA position 161, T replaced by A.
Protein change: p.Phe54Tyr; replaces phenylalanine 54 with tyrosine.
Molecular consequence: missense variant.
Genome position (GRCh38, 1-based): chr2:31,580,740, A>T on the plus strand (T>A on the coding strand, the complement: SRD5A2 is on the minus strand). VCF-style: chr2-31580740-A-T. GRCh37 (hg19) VCF-style: chr2-31805810-A-T.
Other names: short protein forms F54Y.
Identifiers: ClinVar variation 4848687 (VCV004848687.1).
Genomic context (GRCh38, chr2:31,580,740, plus strand): 5'-GAGAGGGGCTGCCGGGCGAGGATCCCCGCGGGCACCGCGAAGGAAGGCAGCTCCTGCAGG[A>T]ACCAGGCGGCGCGGGCTGGCAGGCGGGTAGCCGCCGGCTTCAGGCTCTCCGTGTGCTTCC-3'
Protein context (NP_000339.2, residues 44-64): ATRLPARAAW[Phe54Tyr]LQELPSFAVP

ClinVar aggregate classification (germline): Pathogenic (1 of 4 stars; one submission).

Conditions:
3-Oxo-5 alpha-steroid delta 4-dehydrogenase deficiency (PPSH). Also called: PSEUDOVAGINAL PERINEOSCROTAL HYPOSPADIAS; FAMILIAL INCOMPLETE MALE PSEUDOHERMAPHRODITISM, TYPE 2; 46,XY disorder of sex development due to 5-alpha-reductase 2 deficiency; MALE PSEUDOHERMAPHRODITISM DUE TO 5-ALPHA-REDUCTASE DEFICIENCY. Identifiers: Orphanet 753, MedGen C0268297, MONDO:0009923, OMIM 264600. Disease mechanism: loss of function.

Submission:

Women's Health and Genetics/Laboratory Corporation of America, LabCorp
Classification: Pathogenic for 3-Oxo-5 alpha-steroid delta 4-dehydrogenase deficiency. Last evaluated: 2026-04-10. Review status: criteria provided, single submitter. Criteria: LabCorp Variant Classification Summary - May 2015. Collection method: clinical testing. Allele origin: germline.
Comment: Variant summary: SRD5A2 c.161T>A (p.Leu54Gln, also known as NM_000348.3 c.164T>A (p.Leu55Gln) in RefSeq) results in a non-conservative amino acid change in the encoded protein sequence. Algorithms developed to predict the effect of missense changes on protein structure and function are either unavailable or do not agree on the potential impact of this missense change. The variant was absent in 238944 control chromosomes (gnomAD). c.161T>A (described as c.164T>A, p.Leu55Gln in the literatures) has been observed in multiple individuals affected with 3-Oxo-5 alpha-steroid delta 4-dehydrogenase deficiency (Thigpen_1992, Hochberg_1996, Maimoun_2011). These data indicate that the variant is very likely to be associated with disease. To our knowledge, no experimental evidence demonstrating an impact on protein function has been reported. The following publications have been ascertained in the context of this evaluation (PMID: 8768837, 21147889, 1522235). ClinVar contains an entry for this variant (Variation ID: 3339). Based on the evidence outlined above, the variant was classified as pathogenic.

Literature cited by the submitters: PubMed 21147889; PubMed 1522235; PubMed 8768837.